The following is an entry in ClinVar:

ClinVar aggregate classification (germline): Uncertain significance (1 of 4 stars; one submission).

Conditions:
Cardiovascular phenotype. Identifiers: MedGen CN230736.

gnomAD v4.1: 7 of 1,614,152 alleles (0.00043%); highest among the groups gnomAD compares: Non-Finnish European, 0.00059%; no homozygotes.

Submission:

Ambry Genetics
Classification: Uncertain significance for Cardiovascular phenotype. Last evaluated: 2026-05-14. Review status: criteria provided, single submitter. Criteria: Ambry Variant Classification Scheme 2023. Collection method: clinical testing. Allele origin: germline.
Comment: The p.A229V variant (also known as c.686C>T), located in coding exon 6 of the MAT2A gene, results from a C to T substitution at nucleotide position 686. The alanine at codon 229 is replaced by valine, an amino acid with similar properties. This amino acid position is conserved. In addition, the in silico prediction for this alteration is inconclusive. Based on the available evidence, the clinical significance of this variant remains unclear.

NM_005911.6(MAT2A):c.686C>T (p.Ala229Val)

Genes: GGCX (gamma-glutamyl carboxylase; minus strand), MAT2A (methionine adenosyltransferase 2A; plus strand). Cytogenetic location: 2p11.2.
Variant type: single nucleotide variant.
Coding change: c.686C>T on transcript NM_005911.6 (MANE Select); coding-DNA position 686, C replaced by T.
Protein change: p.Ala229Val; replaces alanine 229 with valine.
Molecular consequence: missense variant.
Genome position (GRCh38, 1-based): chr2:85,542,291, C>T. VCF-style: chr2-85542291-C-T. GRCh37 (hg19) VCF-style: chr2-85769414-C-T.
Other names: short protein forms A229V.
Identifiers: ClinVar variation 4859538 (VCV004859538.1).